The following is an entry in ClinVar:

ClinVar aggregate classification (germline): Uncertain significance (1 of 4 stars; one submission).

gnomAD v4.1: 3 of 1,614,112 alleles (0.00019%); highest among the groups gnomAD compares: Non-Finnish European, 0.00025%; no homozygotes.

Submission:

Labcorp Genetics (formerly Invitae), Labcorp
Classification: Uncertain significance. Last evaluated: 2024-08-27. Review status: criteria provided, single submitter. Criteria: Invitae Variant Classification Sherloc (09022015). Collection method: clinical testing. Allele origin: germline.
Comment: This sequence change replaces glycine, which is neutral and non-polar, with aspartic acid, which is acidic and polar, at codon 179 of the OPN1SW protein (p.Gly179Asp). This variant is not present in population databases (gnomAD no frequency). This variant has not been reported in the literature in individuals affected with OPN1SW-related conditions. An algorithm developed to predict the effect of missense changes on protein structure and function (PolyPhen-2) suggests that this variant is likely to be disruptive. In summary, the available evidence is currently insufficient to determine the role of this variant in disease. Therefore, it has been classified as a Variant of Uncertain Significance.

NM_001385125.1(OPN1SW):c.527G>A (p.Gly176Asp)

Gene: OPN1SW (opsin 1, short wave sensitive; minus strand). Cytogenetic location: 7q32.1.
Variant type: single nucleotide variant.
Coding change: c.527G>A on transcript NM_001385125.1 (MANE Select); coding-DNA position 527, G replaced by A.
Protein change: p.Gly176Asp; replaces glycine 176 with aspartic acid.
Molecular consequence: missense variant.
Genome position (GRCh38, 1-based): chr7:128,774,649, C>T on the plus strand (G>A on the coding strand, the complement: OPN1SW is on the minus strand). VCF-style: chr7-128774649-C-T. GRCh37 (hg19) VCF-style: chr7-128414703-C-T.
Other names: short protein forms G176D.
Identifiers: ClinVar variation 3684195 (VCV003684195.2).